The following is an entry in ClinVar:

ClinVar aggregate classification (germline): Pathogenic/Likely pathogenic. Review status: criteria provided, multiple submitters, no conflicts (2 of 4 stars). 4 submissions from 4 submitters: Pathogenic (3); Likely pathogenic (1). Last evaluated 2025-05-20.

Conditions:
Joubert syndrome 26 (JBTS26). Identifiers: Orphanet 475, MedGen C4084843, MONDO:0014771, OMIM 616784.

Submissions (4):

Women's Health and Genetics/Laboratory Corporation of America, LabCorp
Classification: Pathogenic for Joubert syndrome 26. Last evaluated: 2025-05-20. Review status: criteria provided, single submitter. Criteria: LabCorp Variant Classification Summary - May 2015. Collection method: clinical testing. Allele origin: germline.
Comment: Variant summary: KATNIP c.27dupC (p.Glu10ArgfsX16) results in a premature termination codon, predicted to cause a truncation of the encoded protein or absence of the protein due to nonsense mediated decay, which are commonly known mechanisms for disease. The variant was absent in 282872 control chromosomes. To our knowledge, no occurrence of c.27dupC in individuals affected with Joubert Syndrome 26 and no experimental evidence demonstrating its impact on protein function have been reported. ClinVar contains an entry for this variant (Variation ID: 1690878). Based on the evidence outlined above, the variant was classified as pathogenic.

Labcorp Genetics (formerly Invitae), Labcorp
Classification: Pathogenic. Last evaluated: 2025-02-24. Review status: criteria provided, single submitter. Criteria: Invitae Variant Classification Sherloc (09022015). Collection method: clinical testing. Allele origin: germline.
Comment: This sequence change creates a premature translational stop signal (p.Glu10Argfs*16) in the KIAA0556 gene. It is expected to result in an absent or disrupted protein product. Loss-of-function variants in KIAA0556 are known to be pathogenic (PMID: 26714646, 27245168). This variant is present in population databases (no rsID available, gnomAD 0.002%). This variant has not been reported in the literature in individuals affected with KIAA0556-related conditions. ClinVar contains an entry for this variant (Variation ID: 1690878). For these reasons, this variant has been classified as Pathogenic.

CeGaT Center for Human Genetics Tuebingen
Classification: Pathogenic. Last evaluated: 2024-10-01. Review status: criteria provided, single submitter. Criteria: CeGaT Center For Human Genetics Tuebingen Variant Classification Criteria Version 2. Collection method: clinical testing. Allele origin: germline. Affected: yes. Observed: 1 variant allele.
Comment: KATNIP: PVS1, PM2

Laboratorio de Genetica e Diagnostico Molecular, Hospital Israelita Albert Einstein
Classification: Likely pathogenic. Last evaluated: 2020-04-24. Review status: criteria provided, single submitter. Criteria: ACMG Guidelines, 2015. Collection method: clinical testing. Allele origin: germline. Affected: yes.
Comment: ACMG classification criteria: PVS1, PM2

Literature cited by the submitters: PubMed 26714646 (cited by Labcorp Genetics (formerly Invitae), Labcorp); PubMed 27245168 (cited by Labcorp Genetics (formerly Invitae), Labcorp).

NM_015202.5(KATNIP):c.27dup (p.Glu10fs)

Gene: KATNIP (katanin interacting protein; plus strand). Cytogenetic location: 16p12.1.
Variant type: Duplication.
Coding change: c.27dup on transcript NM_015202.5 (MANE Select); coding-DNA position 27, one base duplicated (C; older notation c.27dupC).
Protein change: p.Glu10fs; shifts the reading frame from glutamic acid 10.
Molecular consequence: frameshift variant.
Genome position (GRCh38, 1-based): chr16:27,573,920, C duplicated; the last of 2 consecutive C bases (chr16:27,573,919-27,573,920); duplicating either gives the same sequence. VCF-style (leftmost placement, unchanged base first): chr16-27573918-G-GC. GRCh37 (hg19) VCF-style: chr16-27585239-G-GC.
Other names: c.27dupC (NM_015202.5); c.26dupC (NM_015202.5); short protein forms E10fs.
Identifiers: ClinVar variation 1690878 (VCV001690878.18), dbSNP rs1283389193, ClinGen allele CA621686535.
Genomic context (GRCh38, chr16:27,573,918, plus strand): 5'-CTAAAACAGCCTTAATCTTGGTTCTGCTTTTGAACTGCGACAGGTCAGACTCTGCGAAAG[G>GC]CCGAGAGAAGCTGGTCCTGCTCACGAGAGAAAAAGGAGGTAAATGTGTCCCTGGCGAGGG-3'